The following is an entry in ClinVar:

NM_000288.4(PEX7):c.130+5G>A

Gene: PEX7 (peroxisomal biogenesis factor 7; plus strand). Cytogenetic location: 6q23.3.
Variant type: single nucleotide variant.
Coding change: c.130+5G>A on transcript NM_000288.4 (MANE Select); 5 bases into the intron after coding-DNA position 130, G replaced by A.
Molecular consequence: intron variant.
Genome position (GRCh38, 1-based): chr6:136,822,800, G>A. VCF-style: chr6-136822800-G-A. GRCh37 (hg19) VCF-style: chr6-137143938-G-A.
Identifiers: ClinVar variation 2150990 (VCV002150990.4), dbSNP rs1774103392, ClinGen allele CA2580075084.

ClinVar aggregate classification (germline): Uncertain significance (1 of 4 stars; one submission).

Conditions:
Peroxisome biogenesis disorder 9B. Also called: PEX7-Related Refsum Disease; Refsum disease, adult, 2; PEROXISOME BIOGENESIS DISORDER, PEX7-RELATED, ATYPICAL. Identifiers: Orphanet 773, MedGen C2749346, MONDO:0013945, OMIM 614879.

Allele frequency attached by ClinVar (database versions not stated): TOPMed below 0.00001.

Submission:

Labcorp Genetics (formerly Invitae), Labcorp
Classification: Uncertain significance for Peroxisome biogenesis disorder 9B. Last evaluated: 2022-07-19. Review status: criteria provided, single submitter. Criteria: Invitae Variant Classification Sherloc (09022015). Collection method: clinical testing. Allele origin: germline.
Comment: In summary, the available evidence is currently insufficient to determine the role of this variant in disease. Therefore, it has been classified as a Variant of Uncertain Significance. Variants that disrupt the consensus splice site are a relatively common cause of aberrant splicing (PMID: 17576681, 9536098). Algorithms developed to predict the effect of sequence changes on RNA splicing suggest that this variant may disrupt the consensus splice site. This variant has not been reported in the literature in individuals affected with PEX7-related conditions. This variant is not present in population databases (gnomAD no frequency). This sequence change falls in intron 1 of the PEX7 gene. It does not directly change the encoded amino acid sequence of the PEX7 protein. It affects a nucleotide within the consensus splice site.

Literature cited by the submitters: PubMed 17576681; PubMed 9536098.